The following is an entry in ClinVar:

ClinVar aggregate classification (germline): Benign. Review status: criteria provided, single submitter (1 of 4 stars). 2 submissions from 2 submitters: Benign (1). 1 of the submissions does not count toward it. Last evaluated 2026-01-14.

Conditions:
ANTXR2-related disorder. Also called: ANTXR2-related condition.

Submissions (3):

Labcorp Genetics (formerly Invitae), Labcorp
Classification: Benign. Last evaluated: 2026-01-14. Review status: criteria provided, single submitter. Criteria: Invitae Variant Classification Sherloc (09022015). Collection method: clinical testing. Allele origin: germline.

PreventionGenetics, part of Exact Sciences
Classification: Likely benign for ANTXR2-related condition. Last evaluated: 2023-07-30. Review status: no assertion criteria provided. Collection method: clinical testing. Allele origin: germline. Not counted in ClinVar's aggregate classification.
Comment: This variant is classified as likely benign based on ACMG/AMP sequence variant interpretation guidelines (Richards et al. 2015 PMID: 25741868, with internal and published modifications).

Dr. Peter K. Rogan Lab, Western University
No classification provided (evidence only). Condition: Colon adenocarcinoma. Review status: no classification provided. Collection method: in vitro. Allele origin: not applicable. Functional consequence: retained intron. Not counted in ClinVar's aggregate classification.

NM_058172.6(ANTXR2):c.1042-6del

Gene: ANTXR2 (ANTXR cell adhesion molecule 2; minus strand). Cytogenetic location: 4q21.21.
Variant type: Deletion.
Coding change: c.1042-6del on transcript NM_058172.6 (MANE Select); 6 bases into the intron before coding-DNA position 1042, one base deleted (T; older notation c.1042-6delT).
Molecular consequence: intron variant.
Genome position (GRCh38, 1-based): chr4:79,984,869, A deleted on the plus strand (T on the coding strand, the reverse complement: ANTXR2 is on the minus strand); the first of 8 consecutive A bases (chr4:79,984,869-79,984,876); deleting any one gives the same sequence. VCF-style (leftmost placement, unchanged base first): chr4-79984868-CA-C. GRCh37 (hg19) VCF-style: chr4-80906022-CA-C.
Other names: NC_000004.11:g.80906030del; c.811-6del (NM_001286780.2, NM_001286781.2); c.1042-6del (NM_001145794.2); c.1042-13del (NM_058172.6).
Identifiers: ClinVar variation 3058249 (VCV003058249.4), dbSNP rs753206187, ClinGen allele CA2981750.